The following is an entry in ClinVar:

ClinVar aggregate classification (germline): Uncertain significance (1 of 4 stars; one submission).

Conditions:
NIK deficiency. Also called: Primary immunodeficiency with multifaceted aberrant lymphoid immunity. Identifiers: Orphanet 447731, MedGen C5680065, MONDO:0018642.

Allele frequency attached by ClinVar (database versions not stated): TOPMed 0.00001; ExAC 0.00002; gnomAD 0.00004; gnomAD exomes 0.00006; ESP Exome Variant Server 0.00017.

Submission:

Labcorp Genetics (formerly Invitae), Labcorp
Classification: Uncertain significance for NIK deficiency. Last evaluated: 2024-02-17. Review status: criteria provided, single submitter. Criteria: Invitae Variant Classification Sherloc (09022015). Collection method: clinical testing. Allele origin: germline.
Comment: This sequence change replaces proline, which is neutral and non-polar, with serine, which is neutral and polar, at codon 711 of the MAP3K14 protein (p.Pro711Ser). This variant is present in population databases (rs367962948, gnomAD 0.01%). This variant has not been reported in the literature in individuals affected with MAP3K14-related conditions. ClinVar contains an entry for this variant (Variation ID: 1901851). Experimental studies and prediction algorithms are not available or were not evaluated, and the functional significance of this variant is currently unknown. In summary, the available evidence is currently insufficient to determine the role of this variant in disease. Therefore, it has been classified as a Variant of Uncertain Significance.

NM_003954.5(MAP3K14):c.2131C>T (p.Pro711Ser)

Genes: MAP3K14 (mitogen-activated protein kinase kinase kinase 14; minus strand), MAP3K14-AS1 (MAP3K14 antisense RNA 1; plus strand), LOC126862575 (CDK7 strongly-dependent group 2 enhancer GRCh37_chr17:43344006-43345205; plus strand). Cytogenetic location: 17q21.31.
Variant type: single nucleotide variant.
Coding change: c.2131C>T on transcript NM_003954.5 (MANE Select); coding-DNA position 2131, C replaced by T.
Protein change: p.Pro711Ser; replaces proline 711 with serine.
Molecular consequence: missense variant.
Genome position (GRCh38, 1-based): chr17:45,267,601, G>A on the plus strand (C>T on the coding strand, the complement: MAP3K14 is on the minus strand). VCF-style: chr17-45267601-G-A. GRCh37 (hg19) VCF-style: chr17-43344968-G-A.
Other names: short protein forms P711S.
Identifiers: ClinVar variation 1901851 (VCV001901851.3), dbSNP rs367962948, ClinGen allele CA8613949.